The following is an entry in ClinVar:

ClinVar aggregate classification (germline): Uncertain significance. Review status: criteria provided, multiple submitters, no conflicts (2 of 4 stars). 5 submissions from 5 submitters: Uncertain significance (5). Last evaluated 2025-09-08.

Conditions:
Familial adenomatous polyposis 1 (FAP1). Also called: POLYPOSIS, ADENOMATOUS INTESTINAL; FAMILIAL ADENOMATOUS POLYPOSIS 1, ATTENUATED. Identifiers: MedGen C2713442, MONDO:0021056, OMIM 175100. Disease mechanism: loss of function.
Hereditary cancer-predisposing syndrome. Also called: Hereditary neoplastic syndrome; Neoplastic Syndromes, Hereditary; Tumor predisposition; Hereditary Cancer Syndrome. Identifiers: Orphanet 140162, MedGen C0027672, MeSH D009386, MONDO:0015356.
Classic or attenuated familial adenomatous polyposis. Identifiers: MedGen CN372698, MONDO:0021057.

Allele frequency attached by ClinVar (database versions not stated): gnomAD exomes below 0.00001.
gnomAD v4.1: 12 of 1,613,578 alleles (0.00074%); highest among the groups gnomAD compares: Non-Finnish European, 0.001%; no homozygotes.

Submissions (5):

Labcorp Genetics (formerly Invitae), Labcorp
Classification: Uncertain significance for Familial adenomatous polyposis 1. Last evaluated: 2025-09-08. Review status: criteria provided, single submitter. Criteria: Invitae Variant Classification Sherloc (09022015). Collection method: clinical testing. Allele origin: germline.
Comment: This sequence change replaces threonine, which is neutral and polar, with serine, which is neutral and polar, at codon 1783 of the APC protein (p.Thr1783Ser). This variant is present in population databases (no rsID available, gnomAD 0.0009%). This variant has not been reported in the literature in individuals affected with APC-related conditions. ClinVar contains an entry for this variant (Variation ID: 470000). Invitae Evidence Modeling of protein sequence and biophysical properties (such as structural, functional, and spatial information, amino acid conservation, physicochemical variation, residue mobility, and thermodynamic stability) indicates that this missense variant is not expected to disrupt APC protein function with a negative predictive value of 95%. In summary, the available evidence is currently insufficient to determine the role of this variant in disease. Therefore, it has been classified as a Variant of Uncertain Significance.

Ambry Genetics
Classification: Uncertain significance for Hereditary cancer-predisposing syndrome. Last evaluated: 2025-08-08. Review status: criteria provided, single submitter. Criteria: Ambry Variant Classification Scheme 2023. Collection method: clinical testing. Allele origin: germline.
Comment: The p.T1783S variant (also known as c.5348C>G), located in coding exon 15 of the APC gene, results from a C to G substitution at nucleotide position 5348. The threonine at codon 1783 is replaced by serine, an amino acid with similar properties. This alteration was identified in a cohort of 171 patients with &ge;10 colorectal polyps (Out AA et al. Fam Cancer, 2015 Jun;14:247-57). This amino acid position is not well conserved in available vertebrate species. In addition, in silico predictors for this gene do not accurately predict pathogenicity. Since supporting evidence is limited at this time, the clinical significance of this alteration remains unclear.

All of Us Research Program, National Institutes of Health
Classification: Uncertain significance for Classic or attenuated familial adenomatous polyposis. Last evaluated: 2024-05-14. Review status: criteria provided, single submitter. Criteria: ACMG Guidelines, 2015. Collection method: clinical testing. Allele origin: germline. Inheritance: Autosomal dominant inheritance. Observed: 1 variant allele, 1 heterozygote.
Comment: This missense variant replaces threonine with serine at codon 1783 of the APC protein. Computational prediction suggests that this variant may not impact protein structure and function (internally defined REVEL score threshold <= 0.5, PMID: 27666373). To our knowledge, functional studies have not been reported for this variant. This variant has been reported in an individual affected with familial adenomatous polyposis or an attenuated form of familial adenomatous polyposis (PMID: 25604157). This variant has been identified in 1/250584 chromosomes in the general population by the Genome Aggregation Database (gnomAD). The available evidence is insufficient to determine the role of this variant in disease conclusively. Therefore, this variant is classified as a Variant of Uncertain Significance.

This study involves interpretation of variants in research participants for the purpose of population health screening. Participant phenotype was not available at the time of variant classification. Additional details can be found in publication PMID: 35346344, PMCID: PMC8962531

GeneDx
Classification: Uncertain significance. Last evaluated: 2023-10-18. Review status: criteria provided, single submitter. Criteria: GeneDx Variant Classification Process June 2021. Collection method: clinical testing. Allele origin: germline. Affected: yes.
Comment: Not observed at a significant frequency in large population cohorts (gnomAD); In silico analysis supports that this missense variant does not alter protein structure/function; Observed in an individual with 10 or more colorectal polyps in published literature (Out et al., 2015); This variant is associated with the following publications: (PMID: 18199528, 25604157)

Color Diagnostics, LLC DBA Color Health
Classification: Uncertain significance for Hereditary cancer-predisposing syndrome. Last evaluated: 2023-09-21. Review status: criteria provided, single submitter. Criteria: ACMG Guidelines, 2015. Collection method: clinical testing. Allele origin: germline.
Comment: This missense variant replaces threonine with serine at codon 1783 of the APC protein. Computational prediction suggests that this variant may not impact protein structure and function (internally defined REVEL score threshold <= 0.5, PMID: 27666373). To our knowledge, functional studies have not been reported for this variant. This variant has been reported in an individual affected with familial adenomatous polyposis or an attenuated form of familial adenomatous polyposis (PMID: 25604157). This variant has been identified in 1/250584 chromosomes in the general population by the Genome Aggregation Database (gnomAD). The available evidence is insufficient to determine the role of this variant in disease conclusively. Therefore, this variant is classified as a Variant of Uncertain Significance.

Literature cited by the submitters: PubMed 25604157 (cited by 3 submitters).

NM_000038.6(APC):c.5348C>G (p.Thr1783Ser)

Gene: APC (APC regulator of Wnt signaling pathway; plus strand). Cytogenetic location: 5q22.2.
Variant type: single nucleotide variant.
Coding change: c.5348C>G on transcript NM_000038.6 (MANE Select); coding-DNA position 5348, C replaced by G.
Protein change: p.Thr1783Ser; replaces threonine 1783 with serine.
Molecular consequence: missense variant.
Genome position (GRCh38, 1-based): chr5:112,840,942, C>G. VCF-style: chr5-112840942-C-G. GRCh37 (hg19) VCF-style: chr5-112176639-C-G.
Other names: c.5348C>G, p.Thr1783Ser (NM_001127510.3, NM_001354895.2); c.5294C>G, p.Thr1765Ser (NM_001127511.3); c.5402C>G, p.Thr1801Ser (NM_001354896.2); c.5378C>G, p.Thr1793Ser (NM_001354897.2); c.5273C>G, p.Thr1758Ser (NM_001354898.2); c.5264C>G, p.Thr1755Ser (NM_001354899.2); c.5225C>G, p.Thr1742Ser (NM_001354900.2); c.5171C>G, p.Thr1724Ser (NM_001354901.2); and 5 more; short protein forms T1765S, T1783S, T1623S, T1682S, T1758S, T1801S, T1657S, T1692S.
Identifiers: ClinVar variation 470000 (VCV000470000.23), dbSNP rs878853456, ClinGen allele CA16033022.